The following is an entry in ClinVar:

NM_000548.5(TSC2):c.4990-3C>T

Gene: TSC2 (TSC complex subunit 2; plus strand). Cytogenetic location: 16p13.3.
Variant type: single nucleotide variant.
Coding change: c.4990-3C>T on transcript NM_000548.5 (MANE Select); 3 bases into the intron before coding-DNA position 4990, C replaced by T.
Molecular consequence: intron variant.
Genome position (GRCh38, 1-based): chr16:2,087,860, C>T. VCF-style: chr16-2087860-C-T. GRCh37 (hg19) VCF-style: chr16-2137861-C-T.
Other names: c.4921-3C>T (NM_001114382.3); c.4861-3C>T (NM_021055.3, NM_001370405.1); c.4792-3C>T (NM_001363528.2); c.4858-3C>T (NM_001370404.1); c.4789-3C>T (NM_001077183.3); c.4681-3C>T (NM_001318827.2); c.4258-3C>T (NM_001318831.2); c.4645-3C>T (NM_001318829.2); and 1 more.
Identifiers: ClinVar variation 231477 (VCV000231477.22), dbSNP rs777928103, ClinGen allele CA053371.

ClinVar aggregate classification (germline): Benign/Likely benign. Review status: criteria provided, multiple submitters, no conflicts (2 of 4 stars). 6 submissions from 6 submitters: Benign (1); Likely benign (5). Last evaluated 2026-01-16.

Conditions:
Hereditary cancer-predisposing syndrome. Also called: Hereditary Cancer Syndrome; Neoplastic Syndromes, Hereditary; Tumor predisposition; Hereditary neoplastic syndrome. Identifiers: Orphanet 140162, MedGen C0027672, MeSH D009386, MONDO:0015356.
Tuberous sclerosis syndrome (TSC). Also called: Tuberous sclerosis; Tuberous Sclerosis Complex. Identifiers: Orphanet 805, MedGen C0041341, MONDO:0001734.
Tuberous sclerosis 2 (TSC2). Identifiers: Orphanet 805, MedGen C1860707, MONDO:0013199, OMIM 613254.

Allele frequency attached by ClinVar (database versions not stated): ExAC 0.00003; TOPMed 0.00003; gnomAD exomes 0.00004 and 0.00001.
gnomAD v4.1: 17 of 1,612,536 alleles (0.0011%); highest among the groups gnomAD compares: East Asian, 0.018%; no homozygotes.

Submissions (6):

Labcorp Genetics (formerly Invitae), Labcorp
Classification: Likely benign for Tuberous sclerosis 2. Last evaluated: 2026-01-16. Review status: criteria provided, single submitter. Criteria: Invitae Variant Classification Sherloc (09022015). Collection method: clinical testing. Allele origin: germline.

Myriad Genetics, Inc.
Classification: Likely benign for Tuberous sclerosis 2. Last evaluated: 2024-08-23. Review status: criteria provided, single submitter. Criteria: Myriad Autosomal Dominant, Autosomal Recessive and X-Linked Classification Criteria (2023). Collection method: clinical testing. Allele origin: unknown.
Comment: This variant is considered likely benign. This variant is intronic and is not expected to impact mRNA splicing. This variant has been observed at a population frequency that is significantly greater than expected given the associated disease prevalence and penetrance.

All of Us Research Program, National Institutes of Health
Classification: Benign for Tuberous sclerosis syndrome. Last evaluated: 2024-01-11. Review status: criteria provided, single submitter. Criteria: ACMG Guidelines, 2015. Collection method: clinical testing. Allele origin: germline. Inheritance: Autosomal dominant inheritance. Observed: 3 variant alleles, 3 heterozygotes.
Comment: This study involves interpretation of variants in research participants for the purpose of population health screening. Participant phenotype was not available at the time of variant classification. Additional details can be found in publication PMID: 35346344, PMCID: PMC8962531

Ambry Genetics
Classification: Likely benign for Hereditary cancer-predisposing syndrome. Last evaluated: 2022-03-14. Review status: criteria provided, single submitter. Criteria: Ambry Variant Classification Scheme 2023. Collection method: clinical testing. Allele origin: germline.

Genome-Nilou Lab
Classification: Likely benign for Tuberous sclerosis 2. Last evaluated: 2021-11-07. Review status: criteria provided, single submitter. Criteria: ACMG Guidelines, 2015. Collection method: clinical testing. Allele origin: germline. Affected: no.

GeneDx
Classification: Likely benign. Last evaluated: 2019-08-02. Review status: criteria provided, single submitter. Criteria: GeneDx Variant Classification Process June 2021. Collection method: clinical testing. Allele origin: germline. Affected: yes.